The following is an entry in ClinVar:

NM_004453.4(ETFDH):c.3G>A (p.Met1Ile)

Gene: ETFDH (electron transfer flavoprotein dehydrogenase; plus strand). Cytogenetic location: 4q32.1.
Variant type: single nucleotide variant.
Coding change: c.3G>A on transcript NM_004453.4 (MANE Select); coding-DNA position 3, G replaced by A.
Protein change: p.Met1Ile; changes the start codon (methionine 1).
Molecular consequence: missense variant, initiator codon variant.
Genome position (GRCh38, 1-based): chr4:158,672,459, G>A. VCF-style: chr4-158672459-G-A. GRCh37 (hg19) VCF-style: chr4-159593611-G-A.
Other names: c.3G>A, p.Met1Ile (NM_001281737.2); short protein forms M1I.
Identifiers: ClinVar variation 4774005 (VCV004774005.1).

ClinVar aggregate classification (germline): Pathogenic (1 of 4 stars; one submission).

Conditions:
Multiple acyl-CoA dehydrogenase deficiency (MADD). Also called: Glutaric aciduria, type 2; Glutaric acidemia type II; GA 2; Glutaric Acidemia type 2; ETHYLMALONIC-ADIPICACIDURIA; GA II. Identifiers: Orphanet 26791, MedGen C0268596, MONDO:0009282, OMIM 231680.

Submission:

Labcorp Genetics (formerly Invitae), Labcorp
Classification: Pathogenic for Multiple acyl-CoA dehydrogenase deficiency. Last evaluated: 2025-09-24. Review status: criteria provided, single submitter. Criteria: Invitae Variant Classification Sherloc (09022015). Collection method: clinical testing. Allele origin: germline.
Comment: This sequence change affects the initiator codon of the ETFDH mRNA. This change may impact translation initiation or efficiency. The next in-frame methionine is located at codon 62. This variant is not present in population databases (gnomAD no frequency). This variant has not been reported in the literature in individuals affected with ETFDH-related conditions. This variant disrupts a region of the ETFDH protein in which other variant(s) (p.Pro27Ser) have been determined to be pathogenic (PMID: 3126856, 20023066, 27038534; internal data). This suggests that this is a clinically significant region of the protein, and that variants that disrupt it are likely to be disease-causing. For these reasons, this variant has been classified as Pathogenic.

Literature cited by the submitters: PubMed 3126856; PubMed 20023066; PubMed 27038534.